The following is an entry in ClinVar:

ClinVar aggregate classification (germline): Uncertain significance (1 of 4 stars; one submission).

Conditions:
Emery-Dreifuss muscular dystrophy (EDMD). Also called: Scapuloperoneal syndrome, X-linked (formerly); Humeroperoneal neuromuscular disease, (formerly). Identifiers: Orphanet 261, MedGen C0410189, MONDO:0016830.

Allele frequency attached by ClinVar (database versions not stated): gnomAD 0.00001; gnomAD exomes 0.00001 and 0.00002; ExAC 0.00002; TOPMed 0.00003.
gnomAD v4.1: 20 of 1,600,760 alleles (0.0012%); highest among the groups gnomAD compares: East Asian, 0.009%; no homozygotes.

Submission:

Labcorp Genetics (formerly Invitae), Labcorp
Classification: Uncertain significance for Emery-Dreifuss muscular dystrophy. Last evaluated: 2025-03-26. Review status: criteria provided, single submitter. Criteria: Invitae Variant Classification Sherloc (09022015). Collection method: clinical testing. Allele origin: germline.
Comment: This sequence change replaces valine, which is neutral and non-polar, with methionine, which is neutral and non-polar, at codon 495 of the SUN1 protein (p.Val495Met). This variant is present in population databases (rs750763397, gnomAD 0.006%). This variant has not been reported in the literature in individuals affected with SUN1-related conditions. ClinVar contains an entry for this variant (Variation ID: 1514478). An algorithm developed to predict the effect of missense changes on protein structure and function outputs the following: PolyPhen-2: "Benign". The methionine amino acid residue is found in multiple mammalian species, which suggests that this missense change does not adversely affect protein function. In summary, the available evidence is currently insufficient to determine the role of this variant in disease. Therefore, it has been classified as a Variant of Uncertain Significance.

NM_001130965.3(SUN1):c.1483G>A (p.Val495Met)

Gene: SUN1 (Sad1 and UNC84 domain containing 1; plus strand). Cytogenetic location: 7p22.3.
Variant type: single nucleotide variant.
Coding change: c.1483G>A on transcript NM_001130965.3 (MANE Select); coding-DNA position 1483, G replaced by A.
Protein change: p.Val495Met; replaces valine 495 with methionine.
Molecular consequence: missense variant. On other transcripts: non-coding transcript variant (3).
Genome position (GRCh38, 1-based): chr7:857,916, G>A. VCF-style: chr7-857916-G-A. GRCh37 (hg19) VCF-style: chr7-897553-G-A.
Other names: c.1174G>A, p.Val392Met (NM_001171944.2); c.1483G>A, p.Val495Met (NM_001367633.1, NM_001367634.1, NM_001367653.1); c.1132G>A, p.Val378Met (NM_001367635.1); c.1723G>A, p.Val575Met (NM_001367636.1, NM_001367691.1); c.1591G>A, p.Val531Met (NM_001367638.1); c.1024G>A, p.Val342Met (NM_001367639.1); c.1663G>A, p.Val555Met (NM_001367640.1); c.1765G>A, p.Val589Met (NM_001367641.1, NM_001367682.1); and 43 more; short protein forms V378M, V412M, V469M, V484M, V499M, V545M, V555M, V589M.
Identifiers: ClinVar variation 1514478 (VCV001514478.6), dbSNP rs750763397, ClinGen allele CA4112252.
Genomic context (GRCh38, chr7:857,916, plus strand): 5'-GTCGAGCACCTCCAGCTGGAGCTGGATCAGCTAAAGTCAGAGCTGTCCAGCTGGCGACAC[G>A]TGAAGACCGGCTGTGAGACAGTGGATGCCGTACAAGAAAGAGTGAGCTTTCTGCATGTTT-3'
Protein context (NP_001124437.1, residues 485-505): LKSELSSWRH[Val495Met]KTGCETVDAV